The following is an entry in ClinVar:

ClinVar aggregate classification (germline): Conflicting classifications of pathogenicity. Review status: criteria provided, conflicting classifications (1 of 4 stars). 20 submissions from 20 submitters: Likely pathogenic (2); Uncertain significance (15). 3 of the submissions do not count toward it. Last evaluated 2026-05-01.

Conditions:
MYBPC3-related disorder. Also called: MYBPC3-related disorders; MYBPC3-related condition; MYBPC3-related disease.
Cardiovascular phenotype. Identifiers: MedGen CN230736.
Cardiomyopathy (CMYO). Also called: Cardiomyopathies. Identifiers: Orphanet 167848, MedGen C0878544, MONDO:0004994, HP:0001638. Inheritance: Various modes of inheritance.
Hypertrophic cardiomyopathy 4. Also called: Familial hypertrophic cardiomyopathy 4. Identifiers: MedGen C1861862, MONDO:0007268, OMIM 115197.
Hypertrophic cardiomyopathy. Also called: HYPERTROPHIC MYOCARDIOPATHY. Identifiers: Orphanet 217569, MedGen C0007194, MeSH D002312, MONDO:0005045, HP:0001639.

Submissions 1 to 6 of 20:

CeGaT Center for Human Genetics Tuebingen
Classification: Uncertain significance. Last evaluated: 2026-05-01. Review status: criteria provided, single submitter. Criteria: CeGaT Center For Human Genetics Tuebingen Variant Classification Criteria Version 2. Collection method: clinical testing. Allele origin: germline. Affected: yes. Observed: 4 variant alleles.
Comment: MYBPC3: PM2, PS4:Moderate, PM4:Supporting, BS3:Supporting

Labcorp Genetics (formerly Invitae), Labcorp
Classification: Uncertain significance for Hypertrophic cardiomyopathy. Last evaluated: 2026-01-20. Review status: criteria provided, single submitter. Criteria: Invitae Variant Classification Sherloc (09022015). Collection method: clinical testing. Allele origin: germline.
Comment: This variant, c.2441_2443del, results in the deletion of 1 amino acid(s) of the MYBPC3 protein (p.Lys814del), but otherwise preserves the integrity of the reading frame. The frequency data for this variant in the population databases is considered unreliable, as metrics indicate poor data quality at this position in the gnomAD database. This variant has been observed in individual(s) with hypertrophic cardiomyopathy and/or MYBPC3-related conditions (PMID: 12110947, 15519027, 15563892, 16566405, 16715312, 18929575, 18957093, 23674513, 24093860, 24111713, 26084686, 30105547, 31513939, 31737537, 33297573, 33407484, 35208637, 38456273). This variant is also known as K811del. Algorithms developed to predict the effect of variants on gene product structure and function are not available or were not evaluated for this variant. Experimental studies have shown that this variant does not substantially affect MYBPC3 function (PMID: 18929575). In summary, the available evidence is currently insufficient to determine the role of this variant in disease. Therefore, it has been classified as a Variant of Uncertain Significance.

PreventionGenetics, part of Exact Sciences
Classification: Uncertain significance for MYBPC3-related condition. Last evaluated: 2026-01-13. Review status: criteria provided, single submitter. Criteria: ACMG Guidelines, 2015. Collection method: clinical testing. Allele origin: germline.
Comment: The MYBPC3 c.2441_2443delAGA variant is predicted to result in an in-frame deletion (p.Lys814del). This variant has been reported in the heterozygous state in individuals with hypertrophic cardiomyopathy (HCM) as well as in unaffected relatives and controls (Jääskeläinen et al. 2002. PubMed ID: 12110947; Supplementary Table S2, Chung et al. 2021. PubMed ID: 33407484; Table S8, McGurk et al. 2023. PubMed ID: 37652022). One individual was noted to also carry a pathogenic variant in MYH7 (Table S2, Bagnall et al. 2022. PubMed ID: 36252119). This variant has also been described in the homozygous state in individuals with HCM (Alouba et al. 2023. PubMed ID: 37431535; Wang et al. 2025. PubMed ID: 40026153) and in an individual with dilated cardiomyopathy (Akinrinade et al. 2015. PubMed ID: 26084686). Experimental studies indicate this variant does not affect protein expression or stability (Bahrudin et al. 2008. PubMed ID: 18929575). This variant is reported in 0.016% of alleles in individuals of European (Finnish) descent in gnomAD; however, the quality of this data is questionable and should be treated with caution. At this time, the clinical significance of this variant is uncertain due to the absence of conclusive functional and genetic evidence.

3billion
Classification: Uncertain significance for Hypertrophic cardiomyopathy 4. Last evaluated: 2025-10-27. Review status: criteria provided, single submitter. Criteria: ACMG Guidelines, 2015. Collection method: clinical testing. Allele origin: germline. Affected: yes.
Comment: The variant is observed at an extremely low frequency in the gnomAD v4.1.0 dataset (total allele frequency: 0.004%). Predicted Consequence/Location: Inframe deletion located in a nonrepeat region: predicted to change the length of the protein and disrupt normal protein function. The variant has been reported to be associated with MYBPC3-related disorder (PMID: 12110947 /3billion dataset). However, the evidence of pathogenicity is insufficient at this time. Therefore, this variant is classified as VUS according to the recommendation of ACMG/AMP guideline.

GeneDx
Classification: Uncertain significance. Last evaluated: 2025-08-25. Review status: criteria provided, single submitter. Criteria: GeneDx Variant Classification Process June 2021. Collection method: clinical testing. Allele origin: germline. Affected: yes.
Comment: Reported multiple times in association with HCM and in at least one patient with DCM (PMID: 12110947, 15114369, 15519027, 15563892, 16566405, 16715312, 18957093, 18929575, 21499742, 23054336, 24093860, 23674513, 24111713, 26084686, 33148509, 25499402, 31513939, 31737537, 32492895, 33297573, 38002985, 37431535, 38456273, 40475167); In-frame deletion of 1 amino acid in a non-repeat region; An in vitro functional study of this variant showed normal protein levels when expressed in COS-7 cells, and the variant did not destabilize the protein through the ubiquitin-proteasome system as was shown for another MYBPC3 variant (PMID: 18929575), however, any other aspects of cardiac myosin-binding protein C function were not assessed; In silico analysis supports a deleterious effect on protein structure/function; Also known as Lys811del, Lys812del, or Lys813del, due to alternative nomenclature; This variant is associated with the following publications: (PMID: 16715312, 16566405, 21415409, 15563892, 21499742, 23054336, 12110947, 20800588, 20474083, 15114369, 25524337, 26688388, 15519027, 18957093, 24111713, 28518168, 26084686, 24093860, 23674513, 35653365, 34400558, 35208637, 28771489, 30105547, AlloubaM2022[Preprint], 36588553, 33407484, 33057194, 36252119, 37652022, 24721642, 32380161, 35352813, 35982159, 25499402, 31513939, 31737537, 32492895, 33297573, 33148509, 23711808, 18929575, 37431535, 38002985, 38456273, 40475167, 38880420)

Color Diagnostics, LLC DBA Color Health
Classification: Uncertain significance for Cardiomyopathy. Last evaluated: 2025-05-27. Review status: criteria provided, single submitter. Criteria: ACMG Guidelines, 2015. Collection method: clinical testing. Allele origin: germline.
Comment: This variant causes a deletion of one lysine residue from 4 consecutive lysine residues present in codons 811-814 of the MYBPC3 protein. A functional study has shown that this variant does not have adverse effects on protein expression levels or stability (PMID: 18929575). This variant has been reported in individuals affected with hypertrophic cardiomyopathy (PMID: 15519027, 18929575, 23674513, 23711808, 24111713, 33297573, 35208637, 38002985), left atrial enlargement (PMID: 33407484), dilated cardiomyopathy (PMID: 26084686), or sudden death (PMID: 26688388, 36588553). This variant has been identified in 17/279948 chromosomes in the general population by the Genome Aggregation Database (gnomAD). The available evidence is insufficient to determine the role of this variant in disease conclusively. Therefore, this variant is classified as a Variant of Uncertain Significance.

NM_000256.3(MYBPC3):c.2432AGA[3] (p.Lys814del)

Gene: MYBPC3 (myosin binding protein C3; minus strand). Cytogenetic location: 11p11.2.
Variant type: Microsatellite.
Coding change: c.2432AGA[3] on transcript NM_000256.3 (MANE Select); three copies in a row of the 3-base unit AGA starting at c.2432; the reference has four copies in a row; one copy, 3 bases deleted.
Protein change: p.Lys814del; deletes lysine 814.
Molecular consequence: inframe deletion.
Genome position (GRCh38, 1-based): chr11:47,337,550-47,337,552, TCT deleted on the plus strand (AGA on the coding strand, the reverse complement: MYBPC3 is on the minus strand); deleting any 3 consecutive bases within chr11:47,337,550-47,337,562 gives the same sequence; the position shown is the placement nearest the transcript's 3' end. VCF-style (leftmost placement, unchanged base first): chr11-47337549-CTCT-C. GRCh37 (hg19) VCF-style: chr11-47359100-CTCT-C.
Other names: c.2441_2443delAGA (NM_000256.3); short protein forms K814del.
Identifiers: ClinVar variation 177700 (VCV000177700.90), dbSNP rs727504288, ClinGen allele CA354095.